The following is an entry in ClinVar:

ClinVar aggregate classification (germline): Uncertain significance (1 of 4 stars; one submission).

Conditions:
Inborn genetic diseases. Identifiers: MedGen C0950123, MeSH D030342.

gnomAD v4.1: 1 of 1,613,498 alleles (0.000062%); highest among the groups gnomAD compares: Non-Finnish European, 0.000085%; no homozygotes.

Submission:

Ambry Genetics
Classification: Uncertain significance for Inborn genetic diseases. Last evaluated: 2026-02-16. Review status: criteria provided, single submitter. Criteria: Ambry Variant Classification Scheme 2023. Collection method: clinical testing. Allele origin: germline.
Comment: The p.F963C variant (also known as c.2888T>G), located in coding exon 14 of the FANCM gene, results from a T to G substitution at nucleotide position 2888. The phenylalanine at codon 963 is replaced by cysteine, an amino acid with highly dissimilar properties. This amino acid position is conserved. In addition, this alteration is predicted to be tolerated by in silico analysis. Based on the available evidence, the clinical significance of this variant remains unclear.

NM_020937.4(FANCM):c.2888T>G (p.Phe963Cys)

Gene: FANCM (FA complementation group M; plus strand). Cytogenetic location: 14q21.2.
Variant type: single nucleotide variant.
Coding change: c.2888T>G on transcript NM_020937.4 (MANE Select); coding-DNA position 2888, T replaced by G.
Protein change: p.Phe963Cys; replaces phenylalanine 963 with cysteine.
Molecular consequence: missense variant.
Genome position (GRCh38, 1-based): chr14:45,175,642, T>G. VCF-style: chr14-45175642-T-G. GRCh37 (hg19) VCF-style: chr14-45644845-T-G.
Other names: c.2810T>G, p.Phe937Cys (NM_001308133.2); short protein forms F963C, F937C.
Identifiers: ClinVar variation 4844568 (VCV004844568.1).